The following is an entry in ClinVar:

NM_000138.5(FBN1):c.5431G>T (p.Glu1811Ter)

Gene: FBN1 (fibrillin 1; minus strand). Cytogenetic location: 15q21.1.
Variant type: single nucleotide variant.
Coding change: c.5431G>T on transcript NM_000138.5 (MANE Select); coding-DNA position 5431, G replaced by T.
Protein change: p.Glu1811Ter; replaces glutamic acid 1811 with a stop codon.
Molecular consequence: nonsense.
Genome position (GRCh38, 1-based): chr15:48,452,676, C>A on the plus strand (G>T on the coding strand, the complement: FBN1 is on the minus strand). VCF-style: chr15-48452676-C-A. GRCh37 (hg19) VCF-style: chr15-48744873-C-A.
Other names: short protein forms E1811*.
Identifiers: ClinVar variation 457230 (VCV000457230.11), dbSNP rs761857514, ClinGen allele CA392344477.

ClinVar aggregate classification (germline): Pathogenic. Review status: criteria provided, multiple submitters, no conflicts (2 of 4 stars). 3 submissions from 3 submitters: Pathogenic (3). Last evaluated 2023-03-07.

Conditions:
Marfan syndrome (MFS). Also called: MARFAN SYNDROME, TYPE I; FBN1-Related Marfan Syndrome; Marfan syndrome type 1; Marfan's syndrome; Marfan syndrome, classic. Identifiers: Orphanet 284963, Orphanet 558, MedGen C0024796, MONDO:0007947, OMIM 154700.
Familial thoracic aortic aneurysm and aortic dissection (TAAD). Also called: Thoracic aortic aneurysms and dissections. Identifiers: Orphanet 91387, MedGen C4707243, MONDO:0019625.

Submissions (3):

Labcorp Genetics (formerly Invitae), Labcorp
Classification: Pathogenic for Marfan syndrome; Familial thoracic aortic aneurysm and aortic dissection. Last evaluated: 2023-03-07. Review status: criteria provided, single submitter. Criteria: Invitae Variant Classification Sherloc (09022015). Collection method: clinical testing. Allele origin: germline.
Comment: This variant has not been reported in the literature in individuals affected with FBN1-related conditions. ClinVar contains an entry for this variant (Variation ID: 457230). For these reasons, this variant has been classified as Pathogenic. This variant is not present in population databases (gnomAD no frequency). This sequence change creates a premature translational stop signal (p.Glu1811*) in the FBN1 gene. It is expected to result in an absent or disrupted protein product. Loss-of-function variants in FBN1 are known to be pathogenic (PMID: 17657824, 19293843).

Petrovsky National Research Centre of Surgery, The Federal Agency for Scientific Organizations
Classification: Pathogenic for Marfan syndrome. Last evaluated: 2019-08-01. Review status: criteria provided, single submitter. Criteria: ACMG Guidelines, 2015. Collection method: clinical testing. Allele origin: paternal. Inheritance: Autosomal dominant inheritance. Affected: yes. Observed: 1 heterozygote.
Comment: The p.Glu1811* variant has been reported in the ClinVar (Variation ID:457230) and has a very low frequency (rs761857514). Loss-of-function variants in FBN1 gene are known to be pathogenic (PMID: 17657824, 19293843)(ExAC pLI = 1.00).

Mendelics
Classification: Pathogenic for Marfan syndrome. Last evaluated: 2019-05-28. Review status: criteria provided, single submitter. Criteria: Mendelics Assertion Criteria 2017. Collection method: clinical testing. Allele origin: unknown.

Literature cited by the submitters: PubMed 17657824 (cited by Labcorp Genetics (formerly Invitae), Labcorp); PubMed 19293843 (cited by Labcorp Genetics (formerly Invitae), Labcorp).